The following is an entry in ClinVar:

NM_003573.2(LTBP4):c.304A>G (p.Arg102Gly)

Gene: LTBP4 (latent transforming growth factor beta binding protein 4; plus strand). Cytogenetic location: 19q13.2.
Variant type: single nucleotide variant.
Coding change: c.304A>G on transcript NM_003573.2; coding-DNA position 304, A replaced by G.
Protein change: p.Arg102Gly; replaces arginine 102 with glycine.
Molecular consequence: missense variant.
Genome position (GRCh38, 1-based): chr19:40,600,141, A>G. VCF-style: chr19-40600141-A-G. GRCh37 (hg19) VCF-style: chr19-41106047-A-G.
Other names: c.415A>G, p.Arg139Gly (NM_001042544.1); short protein forms R102G, R139G.
Identifiers: ClinVar variation 228843 (VCV000228843.6), dbSNP rs553283319, ClinGen allele CA10577100.

ClinVar aggregate classification (germline): Uncertain significance. Review status: criteria provided, multiple submitters, no conflicts (2 of 4 stars). 2 submissions from 2 submitters: Uncertain significance (2). Last evaluated 2025-06-29.

Conditions:
Inborn genetic diseases. Identifiers: MedGen C0950123, MeSH D030342.

Allele frequency attached by ClinVar (database versions not stated): gnomAD exomes 0.00002; TOPMed 0.00003.

Submissions (2):

Ambry Genetics
Classification: Uncertain significance for Inborn genetic diseases. Last evaluated: 2025-06-29. Review status: criteria provided, single submitter. Criteria: Ambry Variant Classification Scheme 2023. Collection method: clinical testing. Allele origin: germline.

Laboratory for Molecular Medicine, Mass General Brigham Personalized Medicine
Classification: Uncertain significance. Last evaluated: 2015-02-24. Review status: criteria provided, single submitter. Criteria: LMM Criteria. Collection method: clinical testing. Allele origin: germline. Observed: 1 variant allele.
Comment: The p.Arg139Gly variant in LTBP4 has not been previously reported in individuals with pulmonary disease. Data from large population studies is insufficient to a ssess the frequency of this variant. Computational prediction tools and conserva tion analysis do not provide strong support for or against an impact to the prot ein. In summary, the clinical significance of the p.Arg139Gly variant is uncerta in.